The following is an entry in ClinVar:

NM_002618.4(PEX13):c.465T>G (p.Tyr155Ter)

Gene: PEX13 (peroxisomal biogenesis factor 13; plus strand). Cytogenetic location: 2p15.
Variant type: single nucleotide variant.
Coding change: c.465T>G on transcript NM_002618.4 (MANE Select); coding-DNA position 465, T replaced by G.
Protein change: p.Tyr155Ter; replaces tyrosine 155 with a stop codon.
Molecular consequence: nonsense.
Genome position (GRCh38, 1-based): chr2:61,031,791, T>G. VCF-style: chr2-61031791-T-G. GRCh37 (hg19) VCF-style: chr2-61258926-T-G.
Other names: short protein forms Y155*.
Identifiers: ClinVar variation 582828 (VCV000582828.10), dbSNP rs369851185, ClinGen allele CA1673303.
Genomic context (GRCh38, chr2:61,031,791, plus strand): 5'-TATTGTGCATGCATTTGCCTCTGTCAGTATGATGATGGATGCTACCTTTTCAGCTGTCTA[T>G]AACAGTTTCAGGGCTGTATTGGATGTAGCAAATCACTTTTCCCGATTGAAAATACACTTT-3'

ClinVar aggregate classification (germline): Pathogenic/Likely pathogenic. Review status: criteria provided, multiple submitters, no conflicts (2 of 4 stars). 2 submissions from 2 submitters: Pathogenic (1); Likely pathogenic (1). Last evaluated 2021-04-14.

Conditions:
Peroxisome biogenesis disorder 11A (Zellweger). Also called: Peroxisome biogenesis disorder 11A. Identifiers: Orphanet 912, MedGen C3554000, MONDO:0013949, OMIM 614883.

Allele frequency attached by ClinVar (database versions not stated): gnomAD exomes below 0.00001; TOPMed below 0.00001; ExAC 0.00001; gnomAD 0.00001; ESP Exome Variant Server 0.00008.
gnomAD v4.1: 2 of 1,613,410 alleles (0.00012%); highest among the groups gnomAD compares: Non-Finnish European, 0.00017%; no homozygotes.

Submissions (2):

Revvity Omics, Revvity
Classification: Likely pathogenic. Last evaluated: 2021-04-14. Review status: criteria provided, single submitter. Criteria: ACMG Guidelines, 2015. Collection method: clinical testing. Allele origin: germline.

Labcorp Genetics (formerly Invitae), Labcorp
Classification: Pathogenic for Peroxisome biogenesis disorder 11A (Zellweger). Last evaluated: 2017-11-10. Review status: criteria provided, single submitter. Criteria: Invitae Variant Classification Sherloc (09022015). Collection method: clinical testing. Allele origin: germline.
Comment: This variant has not been reported in the literature in individuals with PEX13-related disease. Loss-of-function variants in PEX13 are known to be pathogenic (PMID: 10332040, 21031596). For these reasons, this variant has been classified as Pathogenic. This variant is present in population databases (rs369851185, ExAC 0.001%). This sequence change creates a premature translational stop signal (p.Tyr155*) in the PEX13 gene. It is expected to result in an absent or disrupted protein product.

Literature cited by the submitters: PubMed 10332040 (cited by Labcorp Genetics (formerly Invitae), Labcorp); PubMed 21031596 (cited by Labcorp Genetics (formerly Invitae), Labcorp).